The following is an entry in ClinVar:

NM_000503.6(EYA1):c.418+5G>A

Gene: EYA1 (EYA transcriptional coactivator and phosphatase 1; minus strand). Cytogenetic location: 8q13.3.
Variant type: single nucleotide variant.
Coding change: c.418+5G>A on transcript NM_000503.6 (MANE Select); 5 bases into the intron after coding-DNA position 418, G replaced by A.
Molecular consequence: intron variant.
Genome position (GRCh38, 1-based): chr8:71,321,729, C>T on the plus strand (G>A on the coding strand, the complement: EYA1 is on the minus strand). VCF-style: chr8-71321729-C-T. GRCh37 (hg19) VCF-style: chr8-72233964-C-T.
Other names: c.502+5G>A (NM_001370336.1); c.505+5G>A (NM_001370333.1, NM_172059.5); c.418+5G>A (NM_001370335.1, NM_001370334.1, NM_172058.4); c.319+5G>A (NM_001411797.1, NM_172060.4); c.67+5G>A (NM_001288575.2); c.415+5G>A (NM_001288574.2).
Identifiers: ClinVar variation 2852932 (VCV002852932.4), dbSNP rs2537060303, ClinGen allele CA2739268826.
Genomic context (GRCh38, chr8:71,321,729, plus strand): 5'-CTCAAACATGTTAATACACGCATGCCCATGCGATAACGCCACCACTACAGTTGCAGGTTA[C>T]TCACCATATGAGGAAATGCCGTACGGCTGTCCTGGCTGTGGGTACGTGGCATAGGCTGTA-3'

ClinVar aggregate classification (germline): Uncertain significance. Review status: criteria provided, multiple submitters, no conflicts (2 of 4 stars). 2 submissions from 2 submitters: Uncertain significance (2). Last evaluated 2025-10-28.

Conditions:
Melnick-Fraser syndrome (BOR). Also called: Branchiootorenal Syndrome (BORS); Branchio-oto-renal syndrome; Branchiootorenal syndrome. Identifiers: Orphanet 107, MedGen C0265234, MONDO:0007029.

Submissions (2):

Labcorp Genetics (formerly Invitae), Labcorp
Classification: Uncertain significance for Melnick-Fraser syndrome. Last evaluated: 2025-10-28. Review status: criteria provided, single submitter. Criteria: Invitae Variant Classification Sherloc (09022015). Collection method: clinical testing. Allele origin: germline.
Comment: This sequence change falls in intron 6 of the EYA1 gene. It does not directly change the encoded amino acid sequence of the EYA1 protein. It affects a nucleotide within the consensus splice site. This variant is not present in population databases (gnomAD no frequency). This variant has not been reported in the literature in individuals affected with EYA1-related conditions. ClinVar contains an entry for this variant (Variation ID: 2852932). Variants that disrupt the consensus splice site are a relatively common cause of aberrant splicing (PMID: 17576681, 9536098). Algorithms developed to predict the effect of sequence changes on RNA splicing suggest that this variant may disrupt the consensus splice site. In summary, the available evidence is currently insufficient to determine the role of this variant in disease. Therefore, it has been classified as a Variant of Uncertain Significance.

Blueprint Genetics
Classification: Uncertain significance. Last evaluated: 2022-11-04. Review status: criteria provided, single submitter. Criteria: ACMG Guidelines, 2015. Collection method: clinical testing. Allele origin: germline.

Literature cited by the submitters: PubMed 17576681 (cited by Labcorp Genetics (formerly Invitae), Labcorp); PubMed 9536098 (cited by Labcorp Genetics (formerly Invitae), Labcorp).